The following is an entry in ClinVar:

NM_003803.4(MYOM1):c.397C>T (p.Pro133Ser)

Gene: MYOM1 (myomesin 1; minus strand). Cytogenetic location: 18p11.31.
Variant type: single nucleotide variant.
Coding change: c.397C>T on transcript NM_003803.4 (MANE Select); coding-DNA position 397, C replaced by T.
Protein change: p.Pro133Ser; replaces proline 133 with serine.
Molecular consequence: missense variant.
Genome position (GRCh38, 1-based): chr18:3,193,852, G>A on the plus strand (C>T on the coding strand, the complement: MYOM1 is on the minus strand). VCF-style: chr18-3193852-G-A. GRCh37 (hg19) VCF-style: chr18-3193850-G-A.
Other names: c.397C>T, p.Pro133Ser (NM_019856.2); short protein forms P133S.
Identifiers: ClinVar variation 1480432 (VCV001480432.6), dbSNP rs2080954710, ClinGen allele CA401717198.

ClinVar aggregate classification (germline): Uncertain significance (1 of 4 stars; one submission).

Conditions:
Hypertrophic cardiomyopathy. Also called: HYPERTROPHIC MYOCARDIOPATHY. Identifiers: Orphanet 217569, MedGen C0007194, MeSH D002312, MONDO:0005045, HP:0001639.

Allele frequency attached by ClinVar (database versions not stated): TOPMed below 0.00001; gnomAD exomes 0.00001.
gnomAD v4.1: 4 of 1,613,664 alleles (0.00025%); highest among the groups gnomAD compares: East Asian, 0.0067%; no homozygotes.

Submission:

Labcorp Genetics (formerly Invitae), Labcorp
Classification: Uncertain significance for Hypertrophic cardiomyopathy. Last evaluated: 2021-11-24. Review status: criteria provided, single submitter. Criteria: Invitae Variant Classification Sherloc (09022015). Collection method: clinical testing. Allele origin: germline.
Comment: In summary, the available evidence is currently insufficient to determine the role of this variant in disease. Therefore, it has been classified as a Variant of Uncertain Significance. Algorithms developed to predict the effect of missense changes on protein structure and function are either unavailable or do not agree on the potential impact of this missense change (SIFT: "Tolerated"; PolyPhen-2: "Probably Damaging"; Align-GVGD: "Class C0"). This variant has not been reported in the literature in individuals affected with MYOM1-related conditions. This variant is not present in population databases (gnomAD no frequency). This sequence change replaces proline, which is neutral and non-polar, with serine, which is neutral and polar, at codon 133 of the MYOM1 protein (p.Pro133Ser).